The following is an entry in ClinVar:

NM_020800.3(IFT80):c.757C>T (p.Arg253Cys)

Genes: IFT80 (intraflagellar transport 80; minus strand), TRIM59-IFT80 (TRIM59-IFT80 readthrough (NMD candidate); minus strand). Cytogenetic location: 3q25.33.
Variant type: single nucleotide variant.
Coding change: c.757C>T on transcript NM_020800.3 (MANE Select); coding-DNA position 757, C replaced by T.
Protein change: p.Arg253Cys; replaces arginine 253 with cysteine.
Molecular consequence: missense variant. On other transcripts: non-coding transcript variant (3).
Genome position (GRCh38, 1-based): chr3:160,356,033, G>A on the plus strand (C>T on the coding strand, the complement: IFT80 is on the minus strand). VCF-style: chr3-160356033-G-A. GRCh37 (hg19) VCF-style: chr3-160073821-G-A.
Other names: c.346C>T, p.Arg116Cys (NM_001190241.2, NM_001190242.2); short protein forms R253C, R116C.
Identifiers: ClinVar variation 1499720 (VCV001499720.7), dbSNP rs138656118, ClinGen allele CA2685379.

ClinVar aggregate classification (germline): Uncertain significance (1 of 4 stars; one submission).

Conditions:
Jeune thoracic dystrophy. Also called: Jeune syndrome; Short-rib thoracic dysplasia; Infantile thoracic dystrophy; Thoracic pelvic phalangeal dystrophy; Jeune's syndrome; Chondroectodermal dysplasia-like syndrome. Identifiers: Orphanet 474, MedGen C0265275, MONDO:0018770.

Allele frequency attached by ClinVar (database versions not stated): TOPMed 0.00001; ExAC 0.00003; gnomAD exomes 0.00004 and 0.00005; ESP Exome Variant Server 0.00008.

Submission:

Labcorp Genetics (formerly Invitae), Labcorp
Classification: Uncertain significance for Jeune thoracic dystrophy. Last evaluated: 2022-07-06. Review status: criteria provided, single submitter. Criteria: Invitae Variant Classification Sherloc (09022015). Collection method: clinical testing. Allele origin: germline.
Comment: This sequence change replaces arginine, which is basic and polar, with cysteine, which is neutral and slightly polar, at codon 253 of the IFT80 protein (p.Arg253Cys). This variant is present in population databases (rs138656118, gnomAD 0.006%). This variant has not been reported in the literature in individuals affected with IFT80-related conditions. ClinVar contains an entry for this variant (Variation ID: 1499720). Algorithms developed to predict the effect of missense changes on protein structure and function are either unavailable or do not agree on the potential impact of this missense change (SIFT: "Deleterious"; PolyPhen-2: "Benign"; Align-GVGD: "Class C35"). In summary, the available evidence is currently insufficient to determine the role of this variant in disease. Therefore, it has been classified as a Variant of Uncertain Significance.